The following is an entry in ClinVar:

ClinVar aggregate classification (germline): Uncertain significance (1 of 4 stars; one submission).

Conditions:
Spermatogenic failure 18. Identifiers: MedGen C4539783, MONDO:0054615, OMIM 617576.
Ciliary dyskinesia, primary, 37 (CILD37). Also called: CILIARY DYSKINESIA, PRIMARY, 37, WITH OR WITHOUT SITUS INVERSUS. Identifiers: MedGen C4539798, MONDO:0033204, OMIM 617577.

Allele frequency attached by ClinVar (database versions not stated): gnomAD exomes below 0.00001 and 0.00001.
gnomAD v4.1: 2 of 1,613,938 alleles (0.00012%); highest among the groups gnomAD compares: Non-Finnish European, 0.00017%; no homozygotes.

Submission:

Labcorp Genetics (formerly Invitae), Labcorp
Classification: Uncertain significance for Ciliary dyskinesia, primary, 37; Spermatogenic failure 18. Last evaluated: 2022-02-10. Review status: criteria provided, single submitter. Criteria: Invitae Variant Classification Sherloc (09022015). Collection method: clinical testing. Allele origin: germline.
Comment: This sequence change replaces leucine, which is neutral and non-polar, with proline, which is neutral and non-polar, at codon 3395 of the DNAH1 protein (p.Leu3395Pro). This variant is present in population databases (no rsID available, gnomAD 0.002%). This missense change has been observed in individual(s) with clinical features of DNAH1-related conditions (Invitae). ClinVar contains an entry for this variant (Variation ID: 843468). Algorithms developed to predict the effect of missense changes on protein structure and function are either unavailable or do not agree on the potential impact of this missense change (SIFT: "Deleterious"; PolyPhen-2: "Probably Damaging"; Align-GVGD: "Class C0"). In summary, the available evidence is currently insufficient to determine the role of this variant in disease. Therefore, it has been classified as a Variant of Uncertain Significance.

NM_015512.5(DNAH1):c.10184T>C (p.Leu3395Pro)

Gene: DNAH1 (dynein axonemal heavy chain 1; plus strand). Cytogenetic location: 3p21.1.
Variant type: single nucleotide variant.
Coding change: c.10184T>C on transcript NM_015512.5 (MANE Select); coding-DNA position 10184, T replaced by C.
Protein change: p.Leu3395Pro; replaces leucine 3395 with proline.
Molecular consequence: missense variant.
Genome position (GRCh38, 1-based): chr3:52,392,595, T>C. VCF-style: chr3-52392595-T-C. GRCh37 (hg19) VCF-style: chr3-52426611-T-C.
Other names: short protein forms L3395P.
Identifiers: ClinVar variation 843468 (VCV000843468.4), dbSNP rs1446360887, ClinGen allele CA353200874.
Genomic context (GRCh38, chr3:52,392,595, plus strand): 5'-AGCTGATTATCAGTAATGCCAAGATGCGCCAGGAGCTGAAGGACATTGAGGACCAGATCC[T>C]GTACCGGCTCAGCTCCTCCGAGGGCAACCCTGTAGATGACATGGAACTCATCAAGGTGCT-3'
Protein context (NP_056327.4, residues 3385-3405): QELKDIEDQI[Leu3395Pro]YRLSSSEGNP